The following is an entry in ClinVar:

ClinVar aggregate classification (germline): Uncertain significance (1 of 4 stars; one submission).

Allele frequency attached by ClinVar (database versions not stated): gnomAD exomes 0.00001; ExAC 0.00002; gnomAD 0.00006; TOPMed 0.00010; 1000 Genomes Project 0.00020; 1000 Genomes Project 30x 0.00031.
gnomAD v4.1: 25 of 1,613,740 alleles (0.0015%); highest among the groups gnomAD compares: Admixed American, 0.022%; no homozygotes.

Submission:

Ambry Genetics
Classification: Uncertain significance. Last evaluated: 2021-09-17. Review status: criteria provided, single submitter. Criteria: Ambry Variant Classification Scheme 2023. Collection method: clinical testing. Allele origin: germline.
Comment: The c.460G>A (p.E154K) alteration is located in exon (coding exon ) of the INPP5D gene. This alteration results from a G to A substitution at nucleotide position 460, causing the glutamic acid (E) at amino acid position 154 to be replaced by a lysine (K). Based on insufficient or conflicting evidence, the clinical significance of this alteration remains unclear.

NM_001017915.3(INPP5D):c.460G>A (p.Glu154Lys)

Gene: INPP5D (inositol polyphosphate-5-phosphatase D; plus strand). Cytogenetic location: 2q37.1.
Variant type: single nucleotide variant.
Coding change: c.460G>A on transcript NM_001017915.3 (MANE Select); coding-DNA position 460, G replaced by A.
Protein change: p.Glu154Lys; replaces glutamic acid 154 with lysine.
Molecular consequence: missense variant.
Genome position (GRCh38, 1-based): chr2:233,125,855, G>A. VCF-style: chr2-233125855-G-A. GRCh37 (hg19) VCF-style: chr2-233990565-G-A.
Other names: c.457G>A, p.Glu153Lys (NM_005541.5); short protein forms E154K, E153K.
Identifiers: ClinVar variation 2410973 (VCV002410973.2), dbSNP rs548356548, ClinGen allele CA2172498.